The following is an entry in ClinVar:

ClinVar aggregate classification (germline): Pathogenic. Review status: criteria provided, multiple submitters, no conflicts (2 of 4 stars). 3 submissions from 3 submitters: Pathogenic (3). Last evaluated 2025-12-23.

Conditions:
Glutaric aciduria, type 1. Also called: Glutaricacidemia Type 1; Glutaricaciduria, type I; Glutaric acidemia type I; Glutaric Acidemia Type 1; GA I; Glutaryl-CoA dehydrogenase deficiency. Identifiers: Orphanet 25, MedGen C0268595, MONDO:0009281, OMIM 231670.

Allele frequency attached by ClinVar (database versions not stated): gnomAD 0.00001; gnomAD exomes 0.00001; TOPMed 0.00004.
gnomAD v4.1: 32 of 1,614,118 alleles (0.002%); highest among the groups gnomAD compares: Non-Finnish European, 0.0026%; no homozygotes.

Submissions (3):

Natera, Inc.
Classification: Pathogenic for Glutaric acidemia type 1. Last evaluated: 2025-12-23. Review status: criteria provided, single submitter. Criteria: Natera Variant Classification Schema (03/2026). Collection method: clinical testing. Allele origin: germline.
Comment: The c.127+1G>A variant in GCDH is a canonical splice donor site variant predicted to affect pre-mRNA splicing, which may result in an abnormal transcript and altered protein product. This variant may result in a truncated or dysfunctional protein product. This variant is rare in the general population with a frequency below the threshold expected for the associated phenotype(s). This variant has been observed in one or more individuals affected with the associated recessive disease, as either homozygous or compound heterozygous with a second variant (PMID: 29458885, 28302372, 11058907). Additionally, this variant has been observed to segregate in affected family members (PMID: 11058907). Given the available evidence, this variant is classified as Pathogenic.

Labcorp Genetics (formerly Invitae), Labcorp
Classification: Pathogenic for Glutaric aciduria, type 1. Last evaluated: 2024-11-17. Review status: criteria provided, single submitter. Criteria: Invitae Variant Classification Sherloc (09022015). Collection method: clinical testing. Allele origin: germline.
Comment: This sequence change affects a donor splice site in intron 3 of the GCDH gene. It is expected to disrupt RNA splicing. Variants that disrupt the donor or acceptor splice site typically lead to a loss of protein function (PMID: 16199547), and loss-of-function variants in GCDH are known to be pathogenic (PMID: 10699052, 11854167, 16602100). This variant is present in population databases (no rsID available, gnomAD 0.002%). Disruption of this splice site has been observed in individual(s) with GCDH-related conditions (PMID: 11058907, 32240488). In at least one individual the data is consistent with being in trans (on the opposite chromosome) from a pathogenic variant. It has also been observed to segregate with disease in related individuals. This variant is also known as IVS3+1G>A. ClinVar contains an entry for this variant (Variation ID: 942900). Algorithms developed to predict the effect of sequence changes on RNA splicing suggest that this variant may disrupt the consensus splice site. For these reasons, this variant has been classified as Pathogenic.

GeneDx
Classification: Pathogenic. Last evaluated: 2023-07-25. Review status: criteria provided, single submitter. Criteria: GeneDx Variant Classification Process June 2021. Collection method: clinical testing. Allele origin: germline. Affected: yes.
Comment: Canonical splice site variant expected to result in aberrant splicing, although in the absence of functional evidence the actual effect of this sequence change is unknown.; Not observed in large population cohorts (gnomAD); This variant is associated with the following publications: (PMID: 32240488, 11058907)

Literature cited by the submitters: PubMed 29458885 (cited by Natera, Inc.); PubMed 28302372 (cited by Natera, Inc.); PubMed 11058907 (cited by Natera, Inc. and Labcorp Genetics (formerly Invitae), Labcorp); PubMed 16199547 (cited by Labcorp Genetics (formerly Invitae), Labcorp); PubMed 10699052 (cited by Labcorp Genetics (formerly Invitae), Labcorp); PubMed 11854167 (cited by Labcorp Genetics (formerly Invitae), Labcorp); PubMed 16602100 (cited by Labcorp Genetics (formerly Invitae), Labcorp); PubMed 32240488 (cited by Labcorp Genetics (formerly Invitae), Labcorp).

NM_000159.4(GCDH):c.127+1G>A

Genes: GCDH (glutaryl-CoA dehydrogenase; plus strand), LOC117125594 (CRISPRi-FlowFISH-validated KLF1 regulatory element; plus strand). Cytogenetic location: 19p13.13.
Variant type: single nucleotide variant.
Coding change: c.127+1G>A on transcript NM_000159.4 (MANE Select); the canonical splice donor site of the intron after coding-DNA position 127, G replaced by A.
Molecular consequence: splice donor variant. On other transcripts: non-coding transcript variant (1).
Genome position (GRCh38, 1-based): chr19:12,891,523, G>A. VCF-style: chr19-12891523-G-A. GRCh37 (hg19) VCF-style: chr19-13002337-G-A.
Other names: c.127+1G>A (NM_013976.5).
Identifiers: ClinVar variation 942900 (VCV000942900.14), dbSNP rs1473339589, ClinGen allele CA404314529.